The following is an entry in ClinVar:

NM_001358921.2(COQ2):c.599G>T (p.Arg200Ile)

Gene: COQ2 (coenzyme Q2, polyprenyltransferase; minus strand). Cytogenetic location: 4q21.23.
Variant type: single nucleotide variant.
Coding change: c.599G>T on transcript NM_001358921.2 (MANE Select); coding-DNA position 599, G replaced by T.
Protein change: p.Arg200Ile; replaces arginine 200 with isoleucine.
Molecular consequence: missense variant.
Genome position (GRCh38, 1-based): chr4:83,272,116, C>A on the plus strand (G>T on the coding strand, the complement: COQ2 is on the minus strand). VCF-style: chr4-83272116-C-A. GRCh37 (hg19) VCF-style: chr4-84193269-C-A.
Other names: c.749G>T, p.Arg250Ile (NM_015697.9); c.749G>T (NM_015697.7); short protein forms R250I, R200I.
Identifiers: ClinVar variation 2090968 (VCV002090968.2), dbSNP rs1735062056, ClinGen allele CA357230009.

ClinVar aggregate classification (germline): Uncertain significance. Review status: criteria provided, multiple submitters, no conflicts (2 of 4 stars). 2 submissions from 2 submitters: Uncertain significance (2). Last evaluated 2024-03-18.

Allele frequency attached by ClinVar (database versions not stated): gnomAD exomes below 0.00001; TOPMed below 0.00001; gnomAD 0.00001.
gnomAD v4.1: 4 of 1,610,246 alleles (0.00025%); highest among the groups gnomAD compares: African/African-American, 0.0027%; no homozygotes.

Submissions (2):

GeneDx
Classification: Uncertain significance. Last evaluated: 2024-03-18. Review status: criteria provided, single submitter. Criteria: GeneDx Variant Classification Process June 2021. Collection method: clinical testing. Allele origin: germline. Affected: yes.
Comment: Not observed at significant frequency in large population cohorts (gnomAD); In silico analysis supports that this missense variant has a deleterious effect on protein structure/function; Has not been previously published as pathogenic or benign to our knowledge

Labcorp Genetics (formerly Invitae), Labcorp
Classification: Uncertain significance. Last evaluated: 2022-08-20. Review status: criteria provided, single submitter. Criteria: Invitae Variant Classification Sherloc (09022015). Collection method: clinical testing. Allele origin: germline.
Comment: This sequence change replaces arginine, which is basic and polar, with isoleucine, which is neutral and non-polar, at codon 250 of the COQ2 protein (p.Arg250Ile). This variant is not present in population databases (gnomAD no frequency). This variant has not been reported in the literature in individuals affected with COQ2-related conditions. Algorithms developed to predict the effect of missense changes on protein structure and function (SIFT, PolyPhen-2, Align-GVGD) all suggest that this variant is likely to be disruptive. Algorithms developed to predict the effect of sequence changes on RNA splicing suggest that this variant may disrupt the consensus splice site. In summary, the available evidence is currently insufficient to determine the role of this variant in disease. Therefore, it has been classified as a Variant of Uncertain Significance.